The following is an entry in ClinVar:

GRCh38/hg38 22q11.23(chr22:23377984-24563859)x3

Genes: ADORA2A (adenosine A2a receptor; plus strand), ADORA2A-AS1 (ADORA2A antisense RNA 1; minus strand), C22orf15 (chromosome 22 open reading frame 15; plus strand), CABIN1 (calcineurin binding protein 1; plus strand), CHCHD10 (coiled-coil-helix-coiled-coil-helix domain containing 10; minus strand) and 71 more. Cytogenetic location: 22q11.23.
Variant type: copy number gain.
Change: copy number 3 (three copies instead of two) of chr22:23,377,984-24,563,859 (1.19 Mb, GRCh38 coordinates, 1-based), cytogenetic band 22q11.23.
Identifiers: ClinVar variation 160934 (VCV000160934.1).

ClinVar aggregate classification (germline): Uncertain significance. Review status: criteria provided, multiple submitters, no conflicts (2 of 4 stars). 2 submissions from 2 submitters: Uncertain significance (2). Last evaluated 2011-08-12.

Submissions (2):

ISCA site 14
Classification: Uncertain significance. Last evaluated: 2011-08-12. Review status: criteria provided, single submitter. Criteria: Kaminsky et al. (Genet Med. 2011). Collection method: clinical testing. Allele origin: paternal. Affected: yes. Observed: 1 variant allele.
Comment: Copy number variation identified through the course of routine clinical cytogenomic testing in postnatal populations. Clinical assertions have been curated as described in Kaminsky et al. 2011.

ISCA site 17
Classification: Uncertain significance. Last evaluated: 2011-08-12. Review status: criteria provided, single submitter. Criteria: Kaminsky et al. (Genet Med. 2011). Collection method: clinical testing. Allele origin: unknown. Affected: yes. Observed: 1 variant allele.
Comment: the same text as in the submission from ISCA site 14 above.